The following is an entry in ClinVar:

NM_001194998.2(CEP152):c.2751G>A (p.Met917Ile)

Gene: CEP152 (centrosomal protein 152; minus strand). Cytogenetic location: 15q21.1.
Variant type: single nucleotide variant.
Coding change: c.2751G>A on transcript NM_001194998.2 (MANE Select); coding-DNA position 2751, G replaced by A.
Protein change: p.Met917Ile; replaces methionine 917 with isoleucine.
Molecular consequence: missense variant.
Genome position (GRCh38, 1-based): chr15:48,756,497, C>T on the plus strand (G>A on the coding strand, the complement: CEP152 is on the minus strand). VCF-style: chr15-48756497-C-T. GRCh37 (hg19) VCF-style: chr15-49048694-C-T.
Other names: c.2751G>A, p.Met917Ile (NM_014985.4); short protein forms M917I.
Identifiers: ClinVar variation 1337199 (VCV001337199.7), dbSNP rs189636635, ClinGen allele CA7548479.
Genomic context (GRCh38, chr15:48,756,497, plus strand): 5'-TTCCTTCTGAAGAGAATGAATCTTCTCTTCCAATTCCTTTCCAGGAAGTATATTTTTCCT[C>T]ATATTTTCAAGCTCACTCTTCCATTTCTCTTTAGCTTCAGAAACAGCAAATGATATCTAA-3'
Protein context (NP_001181927.1, residues 907-927): KEKWKSELEN[Met917Ile]RKNILPGKEL

ClinVar aggregate classification (germline): Uncertain significance. Review status: criteria provided, multiple submitters, no conflicts (2 of 4 stars). 3 submissions from 3 submitters: Uncertain significance (3). Last evaluated 2024-10-22.

Conditions:
Inborn genetic diseases. Identifiers: MedGen C0950123, MeSH D030342.

Allele frequency attached by ClinVar (database versions not stated): gnomAD exomes 0.00002 and 0.00004; ExAC 0.00006; ESP Exome Variant Server 0.00009; TOPMed 0.00012; gnomAD 0.00014; 1000 Genomes Project 30x 0.00016; 1000 Genomes Project 0.00020.
gnomAD v4.1: 49 of 1,611,696 alleles (0.003%); highest among the groups gnomAD compares: African/African-American, 0.053%; no homozygotes.

Submissions (3):

Labcorp Genetics (formerly Invitae), Labcorp
Classification: Uncertain significance. Last evaluated: 2024-10-22. Review status: criteria provided, single submitter. Criteria: Invitae Variant Classification Sherloc (09022015). Collection method: clinical testing. Allele origin: germline.
Comment: This sequence change replaces methionine, which is neutral and non-polar, with isoleucine, which is neutral and non-polar, at codon 917 of the CEP152 protein (p.Met917Ile). This variant is present in population databases (rs189636635, gnomAD 0.07%). This variant has not been reported in the literature in individuals affected with CEP152-related conditions. ClinVar contains an entry for this variant (Variation ID: 1337199). Invitae Evidence Modeling of protein sequence and biophysical properties (such as structural, functional, and spatial information, amino acid conservation, physicochemical variation, residue mobility, and thermodynamic stability) indicates that this missense variant is not expected to disrupt CEP152 protein function with a negative predictive value of 80%. In summary, the available evidence is currently insufficient to determine the role of this variant in disease. Therefore, it has been classified as a Variant of Uncertain Significance.

Ambry Genetics
Classification: Uncertain significance for Inborn genetic diseases. Last evaluated: 2024-06-28. Review status: criteria provided, single submitter. Criteria: Ambry Variant Classification Scheme 2023. Collection method: clinical testing. Allele origin: germline.

Genetic Services Laboratory, University of Chicago
Classification: Uncertain significance. Last evaluated: 2019-05-21. Review status: criteria provided, single submitter. Criteria: ACMG Guidelines, 2015. Collection method: clinical testing. Allele origin: germline. Affected: no.